The following is an entry in ClinVar:

NM_000426.4(LAMA2):c.5280G>A (p.Glu1760=)

Gene: LAMA2 (laminin subunit alpha 2; plus strand). Cytogenetic location: 6q22.33.
Variant type: single nucleotide variant.
Coding change: c.5280G>A on transcript NM_000426.4 (MANE Select); coding-DNA position 5280, G replaced by A.
Protein change: p.Glu1760=; no amino-acid change (glutamic acid 1760 retained).
Molecular consequence: synonymous variant.
Genome position (GRCh38, 1-based): chr6:129,393,090, G>A. VCF-style: chr6-129393090-G-A. GRCh37 (hg19) VCF-style: chr6-129714235-G-A.
Other names: p.Glu1760=; c.5280G>A, p.Glu1760= (NM_001079823.2).
Identifiers: ClinVar variation 256075 (VCV000256075.14), dbSNP rs376693904, ClinGen allele CA3993832.

ClinVar aggregate classification (germline): Benign/Likely benign. Review status: criteria provided, multiple submitters, no conflicts (2 of 4 stars). 4 submissions from 4 submitters: Benign (1); Likely benign (3). Last evaluated 2026-01-26.

Conditions:
LAMA2-related muscular dystrophy (LAMA2-RD). Also called: Laminin alpha 2-related dystrophy. Identifiers: MedGen C5679788, MONDO:0100228.

Allele frequency attached by ClinVar (database versions not stated): gnomAD 0.00004 and 0.00011; TOPMed 0.00004; ESP Exome Variant Server 0.00023; gnomAD exomes 0.00034 and 0.00064; 1000 Genomes Project 30x 0.00062; ExAC 0.00076; 1000 Genomes Project 0.00080.
gnomAD v4.1: 501 of 1,614,018 alleles (0.031%); highest among the groups gnomAD compares: South Asian, 0.44%; 6 homozygotes.

Submissions (4):

Labcorp Genetics (formerly Invitae), Labcorp
Classification: Benign for LAMA2-related muscular dystrophy. Last evaluated: 2026-01-26. Review status: criteria provided, single submitter. Criteria: Invitae Variant Classification Sherloc (09022015). Collection method: clinical testing. Allele origin: germline.

Mayo Clinic Laboratories, Mayo Clinic
Classification: Likely benign. Last evaluated: 2025-02-17. Review status: criteria provided, single submitter. Criteria: ACMG Guidelines, 2015. Collection method: clinical testing. Allele origin: germline. Observed: 1 variant allele.
Comment: BS1, BP4, BP7

Blueprint Genetics
Classification: Likely benign. Last evaluated: 2024-10-07. Review status: criteria provided, single submitter. Criteria: ACMG Guidelines, 2015. Collection method: clinical testing. Allele origin: germline.

PreventionGenetics, part of Exact Sciences
Classification: Likely benign. Review status: criteria provided, single submitter. Criteria: ACMG Guidelines, 2015. Collection method: clinical testing. Allele origin: germline.